The following is an entry in ClinVar:

ClinVar aggregate classification (germline): Uncertain significance (1 of 4 stars; one submission).

Submission:

CeGaT Center for Human Genetics Tuebingen
Classification: Uncertain significance. Last evaluated: 2024-02-01. Review status: criteria provided, single submitter. Criteria: CeGaT Center For Human Genetics Tuebingen Variant Classification Criteria Version 2. Collection method: clinical testing. Allele origin: germline. Affected: yes. Observed: 1 variant allele.
Comment: CACNA1G: PM2:Supporting, PP2, PP3

NM_018896.5(CACNA1G):c.2243G>C (p.Gly748Ala)

Gene: CACNA1G (calcium voltage-gated channel subunit alpha1 G; plus strand). Cytogenetic location: 17q21.33.
Variant type: single nucleotide variant.
Coding change: c.2243G>C on transcript NM_018896.5 (MANE Select); coding-DNA position 2243, G replaced by C.
Protein change: p.Gly748Ala; replaces glycine 748 with alanine.
Molecular consequence: missense variant. On other transcripts: non-coding transcript variant (5).
Genome position (GRCh38, 1-based): chr17:50,578,506, G>C. VCF-style: chr17-50578506-G-C. GRCh37 (hg19) VCF-style: chr17-48655867-G-C.
Other names: c.2243G>C, p.Gly748Ala (NM_001256324.2, NM_001256325.2, NM_001256326.2 and 24 more transcripts); short protein forms G748A.
Identifiers: ClinVar variation 3026283 (VCV003026283.22), dbSNP rs2544940334, ClinGen allele CA400243209.